The following is an entry in ClinVar:

NM_005068.3(SIM1):c.1762C>T (p.Pro588Ser)

Gene: SIM1 (SIM bHLH transcription factor 1; minus strand). Cytogenetic location: 6q16.3.
Variant type: single nucleotide variant.
Coding change: c.1762C>T on transcript NM_005068.3 (MANE Select); coding-DNA position 1762, C replaced by T.
Protein change: p.Pro588Ser; replaces proline 588 with serine.
Molecular consequence: missense variant.
Genome position (GRCh38, 1-based): chr6:100,390,900, G>A on the plus strand (C>T on the coding strand, the complement: SIM1 is on the minus strand). VCF-style: chr6-100390900-G-A. GRCh37 (hg19) VCF-style: chr6-100838776-G-A.
Other names: c.1762C>T, p.Pro588Ser (NM_001374769.1); short protein forms P588S.
Identifiers: ClinVar variation 3344462 (VCV003344462.1).

ClinVar aggregate classification (germline): Uncertain significance (0 of 4 stars; one submission).

Conditions:
SIM1-related disorder. Also called: SIM1-related condition; SIM1-related disorders.

Submission:

PreventionGenetics, part of Exact Sciences
Classification: Uncertain significance for SIM1-related condition. Last evaluated: 2024-04-26. Review status: no assertion criteria provided. Collection method: clinical testing. Allele origin: germline.
Comment: The SIM1 c.1762C>T variant is predicted to result in the amino acid substitution p.Pro588Ser. To our knowledge, this variant has not been reported in the literature or in a large population database, indicating this variant is rare. At this time, the clinical significance of this variant is uncertain due to the absence of conclusive functional and genetic evidence.